The following is an entry in ClinVar:

NM_015898.4(ZBTB7A):c.36G>T (p.Pro12=)

Gene: ZBTB7A (zinc finger and BTB domain containing 7A; minus strand). Cytogenetic location: 19p13.3.
Variant type: single nucleotide variant.
Coding change: c.36G>T on transcript NM_015898.4 (MANE Select); coding-DNA position 36, G replaced by T.
Protein change: p.Pro12=; no amino-acid change (proline 12 retained).
Molecular consequence: synonymous variant.
Genome position (GRCh38, 1-based): chr19:4,055,197, C>A on the plus strand (G>T on the coding strand, the complement: ZBTB7A is on the minus strand). VCF-style: chr19-4055197-C-A. GRCh37 (hg19) VCF-style: chr19-4055195-C-A.
Other names: c.36G>T, p.Pro12= (NM_001317990.2).
Identifiers: ClinVar variation 4084328 (VCV004084328.8).

ClinVar aggregate classification (germline): Likely benign (1 of 4 stars; one submission).

gnomAD v4.1: 319 of 1,573,838 alleles (0.02%); highest among the groups gnomAD compares: Middle Eastern, 0.017%; no homozygotes.

Submission:

CeGaT Center for Human Genetics Tuebingen
Classification: Likely benign. Last evaluated: 2025-08-01. Review status: criteria provided, single submitter. Criteria: CeGaT Center For Human Genetics Tuebingen Variant Classification Criteria Version 2. Collection method: clinical testing. Allele origin: germline. Affected: yes. Observed: 1 variant allele.
Comment: ZBTB7A: BP4, BP7